The following is an entry in ClinVar:

ClinVar aggregate classification (germline): Uncertain significance. Review status: criteria provided, multiple submitters, no conflicts (2 of 4 stars). 4 submissions from 4 submitters: Uncertain significance (4). Last evaluated 2026-03-31.

Conditions:
Autosomal recessive limb-girdle muscular dystrophy type 2A (LGMDR1). Also called: MUSCULAR DYSTROPHY, PELVOFEMORAL; LEYDEN-MOEBIUS MUSCULAR DYSTROPHY; Limb-girdle muscular dystrophy, type 2A; Calpainopathy; Muscular dystrophy, limb-girdle, type 2A, Amish. Identifiers: Orphanet 267, MedGen C1869123, MONDO:0009675, OMIM 253600. Disease mechanism: loss of function.

Submissions (4):

Myriad Genetics, Inc.
Classification: Uncertain significance for Autosomal recessive limb-girdle muscular dystrophy type 2A. Last evaluated: 2026-03-31. Review status: criteria provided, single submitter. Criteria: Myriad Autosomal Dominant, Autosomal Recessive and X-Linked Classification Criteria (2023). Collection method: clinical testing. Allele origin: unknown.
Comment: NM_000070.2(CAPN3):c.2462C>T(A821V) is a missense variant classified as a variant of uncertain significance in the context of calpainopathy. A821V has been observed in a case with relevant disease (PMID: 35135626). Relevant functional assessments of this variant are not available in the literature. A821V has not been observed in referenced population frequency databases. In summary, there is insufficient evidence to classify NM_000070.2(CAPN3):c.2462C>T(A821V) as pathogenic or benign. Please note: this variant was assessed in the context of healthy population screening.

Labcorp Genetics (formerly Invitae), Labcorp
Classification: Uncertain significance for Autosomal recessive limb-girdle muscular dystrophy type 2A. Last evaluated: 2021-03-05. Review status: criteria provided, single submitter. Criteria: Invitae Variant Classification Sherloc (09022015). Collection method: clinical testing. Allele origin: germline.
Comment: This variant is not present in population databases (ExAC no frequency). This sequence change replaces alanine with valine at codon 821 of the CAPN3 protein (p.Ala821Val). The alanine residue is highly conserved and there is a small physicochemical difference between alanine and valine. This variant has not been reported in the literature in individuals with CAPN3-related conditions. ClinVar contains an entry for this variant (Variation ID: 92415). In summary, the available evidence is currently insufficient to determine the role of this variant in disease. Therefore, it has been classified as a Variant of Uncertain Significance. Algorithms developed to predict the effect of missense changes on protein structure and function are either unavailable or do not agree on the potential impact of this missense change (SIFT: "Tolerated"; PolyPhen-2: "Probably Damaging"; Align-GVGD: "Class C0").

GeneDx
Classification: Uncertain significance. Last evaluated: 2019-04-22. Review status: criteria provided, single submitter. Criteria: GeneDx Variant Classification Process June 2021. Collection method: clinical testing. Allele origin: germline. Affected: yes.
Comment: Not observed in large population cohorts (Lek et al., 2016); In silico analysis, which includes protein predictors and evolutionary conservation, supports a deleterious effect; Has not been previously published as pathogenic or benign to our knowledge

Eurofins Ntd Llc (ga)
Classification: Uncertain significance. Last evaluated: 2013-09-13. Review status: criteria provided, single submitter. Criteria: EGL Classification Definitions 2015. Collection method: clinical testing. Allele origin: germline. Observed: 1 variant allele, 1 heterozygote.

Literature cited by the submitters: PubMed 35135626 (cited by Myriad Genetics, Inc.).

NM_000070.3(CAPN3):c.2462C>T (p.Ala821Val)

Gene: CAPN3 (calpain 3; plus strand). Cytogenetic location: 15q15.1.
Variant type: single nucleotide variant.
Coding change: c.2462C>T on transcript NM_000070.3 (MANE Select); coding-DNA position 2462, C replaced by T.
Protein change: p.Ala821Val; replaces alanine 821 with valine.
Molecular consequence: missense variant.
Genome position (GRCh38, 1-based): chr15:42,411,769, C>T. VCF-style: chr15-42411769-C-T. GRCh37 (hg19) VCF-style: chr15-42703967-C-T.
Other names: c.2444C>T, p.Ala815Val (NM_024344.2); c.2186C>T, p.Ala729Val (NM_173087.2); c.926C>T, p.Ala309Val (NM_173088.2); c.467C>T, p.Ala156Val (NM_173089.2, NM_173090.2); short protein forms A821V, A156V, A309V, A729V, A815V.
Identifiers: ClinVar variation 92415 (VCV000092415.51), dbSNP rs398123148, ClinGen allele CA220350.